The following is an entry in ClinVar:

ClinVar aggregate classification (germline): Uncertain significance (1 of 4 stars; one submission).

Conditions:
Cystic fibrosis (CF). Also called: MUCOVISCIDOSIS. Identifiers: Orphanet 586, MedGen C0010674, MONDO:0009061, OMIM 219700. Disease mechanism: loss of function.

Submission:

3billion
Classification: Uncertain significance for Cystic fibrosis. Last evaluated: 2025-06-18. Review status: criteria provided, single submitter. Criteria: ACMG Guidelines, 2015. Collection method: clinical testing. Allele origin: germline. Affected: yes.
Comment: The variant is not observed in the gnomAD v4.1.0 dataset. Predicted Consequence/Location: Missense variant In silico tool predictions suggest damaging effect of the variant on gene or gene product [REVEL: 0.94 (>=0.6, sensitivity 0.68 and specificity 0.92); 3Cnet: 0.97 (> 0.75, sensitivity 0.96 and precision 0.92)]. Therefore, this variant is classified as VUS according to the recommendation of ACMG/AMP guideline.

NM_000492.4(CFTR):c.604T>C (p.Trp202Arg)

Gene: CFTR (CF transmembrane conductance regulator; plus strand). Cytogenetic location: 7q31.2.
Variant type: single nucleotide variant.
Coding change: c.604T>C on transcript NM_000492.4 (MANE Select); coding-DNA position 604, T replaced by C.
Protein change: p.Trp202Arg; replaces tryptophan 202 with arginine.
Molecular consequence: missense variant.
Genome position (GRCh38, 1-based): chr7:117,535,272, T>C. VCF-style: chr7-117535272-T-C. GRCh37 (hg19) VCF-style: chr7-117175326-T-C.
Other names: short protein forms W202R.
Identifiers: ClinVar variation 4856052 (VCV004856052.1).